The following is an entry in ClinVar:

ClinVar aggregate classification (germline): Benign (1 of 4 stars; one submission).

Allele frequency attached by ClinVar (database versions not stated): 1000 Genomes Project 0.03714; 1000 Genomes Project 30x 0.03795; TOPMed 0.04170; gnomAD 0.04259 and 0.04325.
gnomAD v4.1: 6,666 of 152,276 alleles (4.4%); highest among the groups gnomAD compares: South Asian, 8.8%; 182 homozygotes.

Submission:

GeneDx
Classification: Benign. Last evaluated: 2018-06-12. Review status: criteria provided, single submitter. Criteria: GeneDx Variant Classification (06012015). Collection method: clinical testing. Allele origin: germline. Affected: yes.
Comment: This variant is considered likely benign or benign based on one or more of the following criteria: it is a conservative change, it occurs at a poorly conserved position in the protein, it is predicted to be benign by multiple in silico algorithms, and/or has population frequency not consistent with disease.

NM_020975.6(RET):c.2731-227C>G

Gene: RET (ret proto-oncogene; plus strand). Cytogenetic location: 10q11.21.
Variant type: single nucleotide variant.
Coding change: c.2731-227C>G on transcript NM_020975.6 (MANE Select); 227 bases into the intron before coding-DNA position 2731, C replaced by G.
Molecular consequence: intron variant.
Genome position (GRCh38, 1-based): chr10:43,121,719, C>G. VCF-style: chr10-43121719-C-G. GRCh37 (hg19) VCF-style: chr10-43617167-C-G.
Other names: c.2731-227C>G (NM_020630.7, NM_001406743.1, NM_001406744.1 and 2 more transcripts); c.2596-227C>G (NM_001406765.1, NM_001406763.1); c.2335-227C>G (NM_001406772.1, NM_001406769.1); c.2293-227C>G (NM_001406773.1, NM_001406771.1); c.1834-227C>G (NM_001406782.1, NM_001406780.1, NM_001406779.1 and 1 more transcripts); c.1699-227C>G (NM_001406787.1); c.1714-227C>G (NM_001406785.1); c.2602-227C>G (NM_001406764.1, NM_001406762.1, NM_001406761.1); and 10 more.
Identifiers: ClinVar variation 677755 (VCV000677755.3), dbSNP rs3026771, ClinGen allele CA13352292.